The following is an entry in ClinVar:

ClinVar aggregate classification (germline): Benign/Likely benign. Review status: criteria provided, multiple submitters, no conflicts (2 of 4 stars). 11 submissions from 11 submitters: Benign (7); Likely benign (1). 3 of the submissions do not count toward it. Last evaluated 2026-09-01.

Conditions:
Collagen 6-related myopathy. Identifiers: MedGen CN117976, MONDO:0100225.
Bethlem myopathy 1A. Also called: MYOPATHY, BENIGN CONGENITAL, WITH CONTRACTURES; Bethlem myopathy 1; Bethlem Muscular Dystrophy. Identifiers: Orphanet 610, MedGen CN029274, MONDO:0024530, OMIM 158810.

Allele frequency attached by ClinVar (database versions not stated): 1000 Genomes Project 0.00180; ExAC 0.00367; gnomAD 0.00373 and 0.00396; gnomAD exomes 0.00550 and 0.00396; ESP Exome Variant Server 0.00469; 1000 Genomes Project 30x 0.00203; TOPMed 0.00377.
gnomAD v4.1: 8,637 of 1,613,786 alleles (0.54%); highest among the groups gnomAD compares: Non-Finnish European, 0.62%; 39 homozygotes.

Submissions (11):

CeGaT Center for Human Genetics Tuebingen
Classification: Likely benign. Last evaluated: 2026-09-01. Review status: criteria provided, single submitter. Criteria: CeGaT Center For Human Genetics Tuebingen Variant Classification Criteria Version 2. Collection method: clinical testing. Allele origin: germline. Affected: yes. Observed: 26 variant alleles.
Comment: COL6A3: BP4, BS2

Labcorp Genetics (formerly Invitae), Labcorp
Classification: Benign for Bethlem myopathy 1A. Last evaluated: 2026-02-01. Review status: criteria provided, single submitter. Criteria: Invitae Variant Classification Sherloc (09022015). Collection method: clinical testing. Allele origin: germline.

Mayo Clinic Laboratories, Mayo Clinic
Classification: Benign. Last evaluated: 2018-11-07. Review status: criteria provided, single submitter. Criteria: ACMG Guidelines, 2015. Collection method: clinical testing. Allele origin: germline. Observed: 4 variant alleles.

GeneDx
Classification: Benign. Last evaluated: 2018-02-01. Review status: criteria provided, single submitter. Criteria: GeneDx Variant Classification (06012015). Collection method: clinical testing. Allele origin: germline. Affected: yes.
Comment: This variant is considered likely benign or benign based on one or more of the following criteria: it is a conservative change, it occurs at a poorly conserved position in the protein, it is predicted to be benign by multiple in silico algorithms, and/or has population frequency not consistent with disease.

Illumina Laboratory Services, Illumina
Classification: Benign for Collagen VI-related myopathy. Last evaluated: 2018-01-12. Review status: criteria provided, single submitter. Criteria: ICSL Variant Classification Criteria 13 December 2019. Collection method: clinical testing. Allele origin: germline.
Comment: This variant was observed in the ICSL laboratory as part of a predisposition screen in an ostensibly healthy population. It had not been previously curated by ICSL or reported in the Human Gene Mutation Database (HGMD: prior to June 1st, 2018), and was therefore a candidate for classification through an automated scoring system. Utilizing variant allele frequency, disease prevalence and penetrance estimates, and inheritance mode, an automated score was calculated to assess if this variant is too frequent to cause the disease. Based on the score and internal cut-off values, a variant classified as benign is not then subjected to further curation. The score for this variant resulted in a classification of benign for this disease.

Eurofins Ntd Llc (ga)
Classification: Benign. Last evaluated: 2012-11-05. Review status: criteria provided, single submitter. Criteria: EGL Classification Definitions 2015. Collection method: clinical testing. Allele origin: germline. Observed: 2 variant alleles, 2 heterozygotes.

Breakthrough Genomics
Classification: Benign. Review status: criteria provided, single submitter. Criteria: ACMG Guidelines, 2015. Collection method: not provided. Allele origin: germline. Inheritance: Autosomal recessive inheritance. Affected: yes.

PreventionGenetics, part of Exact Sciences
Classification: Benign. Review status: criteria provided, single submitter. Criteria: ACMG Guidelines, 2015. Collection method: clinical testing. Allele origin: germline.

Clinical Genetics DNA and cytogenetics Diagnostics Lab, Erasmus MC, Erasmus Medical Center
Classification: Likely benign. Review status: no assertion criteria provided. Collection method: clinical testing. Allele origin: germline. Affected: yes. Study: VKGL Data-share Consensus. Not counted in ClinVar's aggregate classification.

Clinical Genetics, Academic Medical Center
Classification: Benign. Review status: no assertion criteria provided. Collection method: clinical testing. Allele origin: germline. Affected: yes. Study: VKGL Data-share Consensus. Not counted in ClinVar's aggregate classification.

Joint Genome Diagnostic Labs from Nijmegen and Maastricht, Radboudumc and MUMC+
Classification: Benign. Review status: no assertion criteria provided. Collection method: clinical testing. Allele origin: germline. Affected: yes. Study: VKGL Data-share Consensus. Not counted in ClinVar's aggregate classification.

NM_004369.4(COL6A3):c.1231C>G (p.Leu411Val)

Gene: COL6A3 (collagen type VI alpha 3 chain; minus strand). Cytogenetic location: 2q37.3.
Variant type: single nucleotide variant.
Coding change: c.1231C>G on transcript NM_004369.4 (MANE Select); coding-DNA position 1231, C replaced by G.
Protein change: p.Leu411Val; replaces leucine 411 with valine.
Molecular consequence: missense variant. On other transcripts: intron variant (2).
Genome position (GRCh38, 1-based): chr2:237,387,663, G>C on the plus strand (C>G on the coding strand, the complement: COL6A3 is on the minus strand). VCF-style: chr2-237387663-G-C. GRCh37 (hg19) VCF-style: chr2-238296306-G-C.
Other names: c.613C>G, p.Leu205Val (NM_057165.5, NM_057167.4); c.92-6164C>G (NM_057166.5, NM_057164.5); short protein forms L205V.
Identifiers: ClinVar variation 94903 (VCV000094903.60), dbSNP rs113716915, ClinGen allele CA147903.